The following is an entry in ClinVar:

NM_000492.4(CFTR):c.1586A>C (p.Asp529Ala)

Genes: CFTR (CF transmembrane conductance regulator; plus strand), LOC111674475 (CFTR intron 11 enhancer; plus strand). Cytogenetic location: 7q31.2.
Variant type: single nucleotide variant.
Coding change: c.1586A>C on transcript NM_000492.4 (MANE Select); coding-DNA position 1586, A replaced by C.
Protein change: p.Asp529Ala; replaces aspartic acid 529 with alanine.
Molecular consequence: missense variant.
Genome position (GRCh38, 1-based): chr7:117,587,740, A>C. VCF-style: chr7-117587740-A-C. GRCh37 (hg19) VCF-style: chr7-117227794-A-C.
Other names: short protein forms D529A.
Identifiers: ClinVar variation 3381848 (VCV003381848.2).

ClinVar aggregate classification (germline): Uncertain significance (1 of 4 stars; one submission).

Conditions:
Congenital bilateral aplasia of vas deferens from CFTR mutation (CBAVD). Identifiers: Orphanet 48, MedGen C0403814, MONDO:0010178, OMIM 277180. Disease mechanism: loss of function.

Submission:

Juno Genomics, Hangzhou Juno Genomics, Inc
Classification: Uncertain significance for Congenital bilateral aplasia of vas deferens from CFTR mutation. Review status: criteria provided, single submitter. Criteria: ACMG Guidelines, 2015. Collection method: clinical testing. Allele origin: germline. Affected: yes.
Comment: Absent from controls (or at extremely low frequency if recessive) in Genome Aggregation Database, Exome Sequencing Project, 1000 Genomes Project, or Exome Aggregation Consortium.;Multiple lines of computational evidence support a deleterious effect on the gene or gene product (conservation, evolutionary, splicing impact, etc).